The following is an entry in ClinVar:

NM_025179.4(PLXNA2):c.3134G>A (p.Arg1045His)

Gene: PLXNA2 (plexin A2; minus strand). Cytogenetic location: 1q32.2.
Variant type: single nucleotide variant.
Coding change: c.3134G>A on transcript NM_025179.4 (MANE Select); coding-DNA position 3134, G replaced by A.
Protein change: p.Arg1045His; replaces arginine 1045 with histidine.
Molecular consequence: missense variant.
Genome position (GRCh38, 1-based): chr1:208,051,283, C>T on the plus strand (G>A on the coding strand, the complement: PLXNA2 is on the minus strand). VCF-style: chr1-208051283-C-T. GRCh37 (hg19) VCF-style: chr1-208224628-C-T.
Other names: c.3134G>A (NM_025179.3); short protein forms R1045H.
Identifiers: ClinVar variation 1487257 (VCV001487257.12), dbSNP rs561631648, ClinGen allele CA1373279.

ClinVar aggregate classification (germline): Uncertain significance. Review status: criteria provided, multiple submitters, no conflicts (2 of 4 stars). 3 submissions from 3 submitters: Uncertain significance (2). 1 of the submissions does not count toward it. Last evaluated 2025-04-22.

Conditions:
PLXNA2-related disorder. Also called: PLXNA2-related condition.

Allele frequency attached by ClinVar (database versions not stated): ExAC 0.00010; 1000 Genomes Project 30x 0.00016; 1000 Genomes Project 0.00020.
gnomAD v4.1: 80 of 1,611,684 alleles (0.005%); highest among the groups gnomAD compares: South Asian, 0.019%; no homozygotes.

Submissions (3):

Labcorp Genetics (formerly Invitae), Labcorp
Classification: Uncertain significance. Last evaluated: 2025-04-22. Review status: criteria provided, single submitter. Criteria: Invitae Variant Classification Sherloc (09022015). Collection method: clinical testing. Allele origin: germline.
Comment: This sequence change replaces arginine, which is basic and polar, with histidine, which is basic and polar, at codon 1045 of the PLXNA2 protein (p.Arg1045His). This variant is present in population databases (rs561631648, gnomAD 0.03%). This variant has not been reported in the literature in individuals affected with PLXNA2-related conditions. ClinVar contains an entry for this variant (Variation ID: 1487257). Invitae Evidence Modeling of protein sequence and biophysical properties (such as structural, functional, and spatial information, amino acid conservation, physicochemical variation, residue mobility, and thermodynamic stability) indicates that this missense variant is not expected to disrupt PLXNA2 protein function with a negative predictive value of 80%. In summary, the available evidence is currently insufficient to determine the role of this variant in disease. Therefore, it has been classified as a Variant of Uncertain Significance.

Ambry Genetics
Classification: Uncertain significance. Last evaluated: 2024-01-29. Review status: criteria provided, single submitter. Criteria: Ambry Variant Classification Scheme 2023. Collection method: clinical testing. Allele origin: germline.

PreventionGenetics, part of Exact Sciences
Classification: Uncertain significance for PLXNA2-related condition. Last evaluated: 2024-01-09. Review status: no assertion criteria provided. Collection method: clinical testing. Allele origin: germline. Not counted in ClinVar's aggregate classification.
Comment: The PLXNA2 c.3134G>A variant is predicted to result in the amino acid substitution p.Arg1045His. To our knowledge, this variant has not been reported in the literature. This variant is reported in 0.030% of alleles in individuals of South Asian descent in gnomAD. At this time, the clinical significance of this variant is uncertain due to the absence of conclusive functional and genetic evidence.